The following is an entry in ClinVar:

NM_001142800.2(EYS):c.8723A>G (p.Asn2908Ser)

Genes: EYS (eyes shut homolog; minus strand), PHF3 (PHD finger protein 3; plus strand). Cytogenetic location: 6q12.
Variant type: single nucleotide variant.
Coding change: c.8723A>G on transcript NM_001142800.2 (MANE Select); coding-DNA position 8723, A replaced by G.
Protein change: p.Asn2908Ser; replaces asparagine 2908 with serine.
Molecular consequence: missense variant. On other transcripts: 3 prime UTR variant (5).
Genome position (GRCh38, 1-based): chr6:63,721,308, T>C on the plus strand (A>G on the coding strand, the complement: EYS is on the minus strand). VCF-style: chr6-63721308-T-C. GRCh37 (hg19) VCF-style: chr6-64431204-T-C.
Other names: c.*7600T>C (NM_001290259.2, NM_001370348.2, NM_001370349.2 and 2 more transcripts); c.8786A>G, p.Asn2929Ser (NM_001292009.2); short protein forms N2908S, N2929S.
Identifiers: ClinVar variation 963184 (VCV000963184.8), dbSNP rs761809527, ClinGen allele CA3876698.

ClinVar aggregate classification (germline): Uncertain significance. Review status: criteria provided, multiple submitters, no conflicts (2 of 4 stars). 3 submissions from 3 submitters: Uncertain significance (2). 1 of the submissions does not count toward it. Last evaluated 2023-04-04.

Conditions:
Retinitis pigmentosa 25 (RP25). Identifiers: Orphanet 791, MedGen C1864446, MONDO:0011272, OMIM 602772.
Inborn genetic diseases. Identifiers: MedGen C0950123, MeSH D030342.

Allele frequency attached by ClinVar (database versions not stated): gnomAD 0.00001; TOPMed 0.00002; ExAC 0.00004.
gnomAD v4.1: 21 of 1,551,888 alleles (0.0014%); highest among the groups gnomAD compares: Non-Finnish European, 0.0017%; no homozygotes.

Submissions (3):

Ambry Genetics
Classification: Uncertain significance for Inborn genetic diseases. Last evaluated: 2023-04-04. Review status: criteria provided, single submitter. Criteria: Ambry Variant Classification Scheme 2023. Collection method: clinical testing. Allele origin: germline.

Labcorp Genetics (formerly Invitae), Labcorp
Classification: Uncertain significance. Last evaluated: 2021-08-27. Review status: criteria provided, single submitter. Criteria: Invitae Variant Classification Sherloc (09022015). Collection method: clinical testing. Allele origin: germline.
Comment: This sequence change replaces asparagine with serine at codon 2908 of the EYS protein (p.Asn2908Ser). The asparagine residue is moderately conserved and there is a small physicochemical difference between asparagine and serine. This variant is present in population databases (rs761809527, ExAC 0.04%). This variant has not been reported in the literature in individuals affected with EYS-related conditions. Algorithms developed to predict the effect of missense changes on protein structure and function output the following: SIFT: "Tolerated"; PolyPhen-2: "Benign"; Align-GVGD: "Class C0". The serine amino acid residue is found in multiple mammalian species, which suggests that this missense change does not adversely affect protein function. Algorithms developed to predict the effect of sequence changes on RNA splicing suggest that this variant may create or strengthen a splice site. In summary, the available evidence is currently insufficient to determine the role of this variant in disease. Therefore, it has been classified as a Variant of Uncertain Significance.

Natera, Inc.
Classification: Uncertain significance for Retinitis pigmentosa type 25. Last evaluated: 2020-08-31. Review status: no assertion criteria provided. Collection method: clinical testing. Allele origin: germline. Not counted in ClinVar's aggregate classification.